The following is an entry in ClinVar:

ClinVar aggregate classification (germline): Uncertain significance (1 of 4 stars; one submission).

gnomAD v4.1: 7 of 1,574,678 alleles (0.00044%); highest among the groups gnomAD compares: Admixed American, 0.002%; no homozygotes.

Submission:

Ambry Genetics
Classification: Uncertain significance. Last evaluated: 2024-05-05. Review status: criteria provided, single submitter. Criteria: Ambry Variant Classification Scheme 2023. Collection method: clinical testing. Allele origin: germline.
Comment: The p.T966R variant (also known as c.2897C>G), located in coding exon 16 of the POLQ gene, results from a C to G substitution at nucleotide position 2897. The threonine at codon 966 is replaced by arginine, an amino acid with similar properties. This amino acid position is conserved. In addition, this alteration is predicted to be tolerated by in silico analysis. Since supporting evidence is limited at this time, the clinical significance of this alteration remains unclear.

NM_199420.4(POLQ):c.2897C>G (p.Thr966Arg)

Gene: POLQ (DNA polymerase theta; minus strand). Cytogenetic location: 3q13.33.
Variant type: single nucleotide variant.
Coding change: c.2897C>G on transcript NM_199420.4 (MANE Select); coding-DNA position 2897, C replaced by G.
Protein change: p.Thr966Arg; replaces threonine 966 with arginine.
Molecular consequence: missense variant.
Genome position (GRCh38, 1-based): chr3:121,490,034, G>C on the plus strand (C>G on the coding strand, the complement: POLQ is on the minus strand). VCF-style: chr3-121490034-G-C. GRCh37 (hg19) VCF-style: chr3-121208881-G-C.
Other names: short protein forms T966R.
Identifiers: ClinVar variation 1797360 (VCV001797360.3), dbSNP rs1193836031, ClinGen allele CA354104041.